The following is an entry in ClinVar:

NM_001375524.1(TRRAP):c.9756+5G>A

Gene: TRRAP (transformation/transcription domain associated protein; plus strand). Cytogenetic location: 7q22.1.
Variant type: single nucleotide variant.
Coding change: c.9756+5G>A on transcript NM_001375524.1 (MANE Select); 5 bases into the intron after coding-DNA position 9756, G replaced by A.
Molecular consequence: intron variant.
Genome position (GRCh38, 1-based): chr7:98,990,624, G>A. VCF-style: chr7-98990624-G-A. GRCh37 (hg19) VCF-style: chr7-98588247-G-A.
Other names: c.9768+5G>A (NM_001244580.2); c.9681+5G>A (NM_003496.4).
Identifiers: ClinVar variation 3655416 (VCV003655416.2).
Genomic context (GRCh38, chr7:98,990,624, plus strand): 5'-TGCTCACCTGCCTGGTTGGCTCGGAGGGAAAGCTGCTCTTGAACCTCATTAGCCAGGTGG[G>A]AAGAGCAGGGTGGCCTTGTTCACGTGCACAAAACATTGTGTCTTCATTTTGCGTTCTTTT-3'

ClinVar aggregate classification (germline): Uncertain significance (1 of 4 stars; one submission).

Submission:

Labcorp Genetics (formerly Invitae), Labcorp
Classification: Uncertain significance. Last evaluated: 2024-06-04. Review status: criteria provided, single submitter. Criteria: Invitae Variant Classification Sherloc (09022015). Collection method: clinical testing. Allele origin: germline.
Comment: This sequence change falls in intron 62 of the TRRAP gene. It does not directly change the encoded amino acid sequence of the TRRAP protein. It affects a nucleotide within the consensus splice site. This variant is not present in population databases (gnomAD no frequency). This variant has not been reported in the literature in individuals affected with TRRAP-related conditions. Variants that disrupt the consensus splice site are a relatively common cause of aberrant splicing (PMID: 17576681, 9536098). Algorithms developed to predict the effect of sequence changes on RNA splicing suggest that this variant may disrupt the consensus splice site. In summary, the available evidence is currently insufficient to determine the role of this variant in disease. Therefore, it has been classified as a Variant of Uncertain Significance.

Literature cited by the submitters: PubMed 17576681; PubMed 9536098.